The following is an entry in ClinVar:

ClinVar aggregate classification (germline): Uncertain significance (1 of 4 stars; one submission).

Conditions:
Combined immunodeficiency due to DOCK8 deficiency (HIES2). Also called: DOCK8 Deficiency; HIES autosomal recessive; HYPER-IgE SYNDROME 2, AUTOSOMAL RECESSIVE, WITH RECURRENT INFECTIONS; Hyper-IgE recurrent infection syndrome, autosomal recessive; HYPER-IgE RECURRENT INFECTION SYNDROME 2, AUTOSOMAL RECESSIVE. Identifiers: Orphanet 217390, MedGen C4722305, MONDO:0009478, OMIM 243700.

Submission:

Labcorp Genetics (formerly Invitae), Labcorp
Classification: Uncertain significance for Combined immunodeficiency due to DOCK8 deficiency. Last evaluated: 2025-06-15. Review status: criteria provided, single submitter. Criteria: Invitae Variant Classification Sherloc (09022015). Collection method: clinical testing. Allele origin: germline.
Comment: This sequence change replaces methionine, which is neutral and non-polar, with threonine, which is neutral and polar, at codon 1790 of the DOCK8 protein (p.Met1790Thr). This variant is not present in population databases (gnomAD no frequency). This variant has not been reported in the literature in individuals affected with DOCK8-related conditions. Invitae Evidence Modeling of protein sequence and biophysical properties (such as structural, functional, and spatial information, amino acid conservation, physicochemical variation, residue mobility, and thermodynamic stability) indicates that this missense variant is expected to disrupt DOCK8 protein function with a positive predictive value of 80%. In summary, the available evidence is currently insufficient to determine the role of this variant in disease. Therefore, it has been classified as a Variant of Uncertain Significance.

NM_203447.4(DOCK8):c.5369T>C (p.Met1790Thr)

Gene: DOCK8 (dedicator of cytokinesis 8; plus strand). Cytogenetic location: 9p24.3.
Variant type: single nucleotide variant.
Coding change: c.5369T>C on transcript NM_203447.4 (MANE Select); coding-DNA position 5369, T replaced by C.
Protein change: p.Met1790Thr; replaces methionine 1790 with threonine.
Molecular consequence: missense variant.
Genome position (GRCh38, 1-based): chr9:441,888, T>C. VCF-style: chr9-441888-T-C. GRCh37 (hg19) VCF-style: chr9-441888-T-C.
Other names: c.5069T>C, p.Met1690Thr (NM_001190458.2); c.5165T>C, p.Met1722Thr (NM_001193536.2); short protein forms M1690T, M1722T, M1790T.
Identifiers: ClinVar variation 4808213 (VCV004808213.1).